The following is an entry in ClinVar:

NM_177438.3(DICER1):c.2651-17C>T

Gene: DICER1 (dicer 1, ribonuclease III; minus strand). Cytogenetic location: 14q32.13.
Variant type: single nucleotide variant.
Coding change: c.2651-17C>T on transcript NM_177438.3 (MANE Select); 17 bases into the intron before coding-DNA position 2651, C replaced by T.
Molecular consequence: intron variant.
Genome position (GRCh38, 1-based): chr14:95,107,778, G>A on the plus strand (C>T on the coding strand, the complement: DICER1 is on the minus strand). VCF-style: chr14-95107778-G-A. GRCh37 (hg19) VCF-style: chr14-95574115-G-A.
Other names: c.2651-17C>T (NM_001291628.2, NM_030621.4, NM_001271282.3 and 1 more transcripts).
Identifiers: ClinVar variation 1587787 (VCV001587787.12), dbSNP rs992475406, ClinGen allele CA265909262.
Genomic context (GRCh38, chr14:95,107,778, plus strand): 5'-TTCCATGAATTTAAAGTCAATATCCAAAGTGCTGGAGTCATTAACTTAGAAGAGAAAAAC[G>A]ACTCTTTAGCTTGTTAAAACATGATACAGATAAGTTTCATACCAAAGCTGTATGTTTGTA-3'

ClinVar aggregate classification (germline): Likely benign. Review status: criteria provided, multiple submitters, no conflicts (2 of 4 stars). 3 submissions from 3 submitters: Likely benign (3). Last evaluated 2026-04-13.

Conditions:
DICER1-related tumor predisposition. Also called: DICER1-related pleuropulmonary blastoma cancer predisposition syndrome; DICER1 syndrome. Identifiers: Orphanet 284343, MedGen C3839822, MONDO:0100216.

Allele frequency attached by ClinVar (database versions not stated): gnomAD exomes below 0.00001 and 0.00001; gnomAD 0.00002.
gnomAD v4.1: 15 of 1,612,148 alleles (0.00093%); highest among the groups gnomAD compares: African/African-American, 0.004%; no homozygotes.

Submissions (3):

Myriad Genetics, Inc.
Classification: Likely benign for DICER1-related tumor predisposition. Last evaluated: 2026-04-13. Review status: criteria provided, single submitter. Criteria: Myriad Autosomal Dominant, Autosomal Recessive and X-Linked Classification Criteria (2023). Collection method: clinical testing. Allele origin: unknown.
Comment: This variant is considered likely benign. This variant is intronic and is not expected to impact mRNA splicing.

Labcorp Genetics (formerly Invitae), Labcorp
Classification: Likely benign for DICER1-related tumor predisposition. Last evaluated: 2025-08-18. Review status: criteria provided, single submitter. Criteria: Invitae Variant Classification Sherloc (09022015). Collection method: clinical testing. Allele origin: germline.

Center for Genomic Medicine, Rigshospitalet, Copenhagen University Hospital
Classification: Likely benign. Last evaluated: 2025-03-04. Review status: criteria provided, single submitter. Criteria: ACMG Guidelines, 2015. Collection method: clinical testing. Allele origin: germline.